The following is an entry in ClinVar:

ClinVar aggregate classification (germline): Uncertain significance (1 of 4 stars; one submission).

Conditions:
Juvenile onset Parkinson disease 19A. Also called: PARK19; DNAJC6 Parkinson Disease. Identifiers: Orphanet 391411, MedGen C3809811, MONDO:0014231, OMIM 615528.

Allele frequency attached by ClinVar (database versions not stated): TOPMed below 0.00001; gnomAD 0.00001; gnomAD exomes 0.00001; ExAC 0.00002.
gnomAD v4.1: 4 of 1,610,554 alleles (0.00025%); highest among the groups gnomAD compares: Non-Finnish European, 0.00034%; no homozygotes.

Submission:

Labcorp Genetics (formerly Invitae), Labcorp
Classification: Uncertain significance for Parkinson disease 19a, juvenile-onset. Last evaluated: 2019-10-25. Review status: criteria provided, single submitter. Criteria: Invitae Variant Classification Sherloc (09022015). Collection method: clinical testing. Allele origin: germline.
Comment: This sequence change replaces proline with serine at codon 674 of the DNAJC6 protein (p.Pro674Ser). The proline residue is highly conserved and there is a moderate physicochemical difference between proline and serine. This variant is present in population databases (rs749594846, ExAC 0.003%). This variant has not been reported in the literature in individuals with DNAJC6-related conditions. Algorithms developed to predict the effect of missense changes on protein structure and function are either unavailable or do not agree on the potential impact of this missense change (SIFT: "Tolerated"; PolyPhen-2: "Probably Damaging"; Align-GVGD: "Class C0"). In summary, the available evidence is currently insufficient to determine the role of this variant in disease. Therefore, it has been classified as a Variant of Uncertain Significance.

NM_001256864.2(DNAJC6):c.2020C>T (p.Pro674Ser)

Gene: DNAJC6 (DnaJ heat shock protein family (Hsp40) member C6; plus strand). Cytogenetic location: 1p31.3.
Variant type: single nucleotide variant.
Coding change: c.2020C>T on transcript NM_001256864.2 (MANE Select); coding-DNA position 2020, C replaced by T.
Protein change: p.Pro674Ser; replaces proline 674 with serine.
Molecular consequence: missense variant.
Genome position (GRCh38, 1-based): chr1:65,395,014, C>T. VCF-style: chr1-65395014-C-T. GRCh37 (hg19) VCF-style: chr1-65860697-C-T.
Other names: c.1810C>T, p.Pro604Ser (NM_001256865.2); c.1849C>T, p.Pro617Ser (NM_014787.4); short protein forms P617S, P674S, P604S.
Identifiers: ClinVar variation 953330 (VCV000953330.1), dbSNP rs749594846, ClinGen allele CA894045.